The following is an entry in ClinVar:

NC_000023.10:g.(?_148578704)_(148586687_?)del

Gene: IDS (iduronate 2-sulfatase; minus strand). Cytogenetic location: Xq28.
Variant type: Deletion.
Identifiers: ClinVar variation 649624 (VCV000649624.3).

ClinVar aggregate classification (germline): Pathogenic (1 of 4 stars; one submission).

Conditions:
Mucopolysaccharidosis, MPS-II (MPS2). Also called: Attenuated MPS (subtype; formerly known as mild MPS II); Severe MPS II; I2S deficiency; MPS 2; Mucopolysaccharidosis type 2; IDS deficiency. Identifiers: Orphanet 580, Orphanet 79388, MedGen C0026705, MONDO:0010674, OMIM 309900.

Submission:

Labcorp Genetics (formerly Invitae), Labcorp
Classification: Pathogenic for Mucopolysaccharidosis, MPS-II. Last evaluated: 2019-04-28. Review status: criteria provided, single submitter. Criteria: Invitae Variant Classification Sherloc (09022015). Collection method: clinical testing. Allele origin: germline.
Comment: This variant is a gross deletion of the genomic region encompassing exons 1-5 of the IDS gene, which includes the initiator codon. The 5' end of this event is unknown as it extends beyond the assayed region for this gene and therefore may encompass additional genes. The 3' boundary is likely confined to intron 5 of the IDS gene. This is expected to result in an absent or disrupted protein product. This variant has not been reported in the literature in individuals with IDS-related disease. Loss-of-function variants in IDS are known to be pathogenic (PMID: 8940265, 9875019). For these reasons, this variant has been classified as Pathogenic.

Literature cited by the submitters: PubMed 8940265; PubMed 9875019.